The following is an entry in ClinVar:

ClinVar aggregate classification (germline): Uncertain significance (1 of 4 stars; one submission).

Allele frequency attached by ClinVar (database versions not stated): gnomAD exomes 0.00001; ExAC 0.00004.
gnomAD v4.1: 17 of 1,614,160 alleles (0.0011%); highest among the groups gnomAD compares: South Asian, 0.014%; 1 homozygote.

Submission:

Labcorp Genetics (formerly Invitae), Labcorp
Classification: Uncertain significance. Last evaluated: 2022-06-22. Review status: criteria provided, single submitter. Criteria: Invitae Variant Classification Sherloc (09022015). Collection method: clinical testing. Allele origin: germline.
Comment: This sequence change replaces glutamine, which is neutral and polar, with arginine, which is basic and polar, at codon 648 of the EFL1 protein (p.Gln648Arg). This variant is present in population databases (rs757430233, gnomAD 0.02%), including at least one homozygous and/or hemizygous individual. This variant has not been reported in the literature in individuals affected with EFL1-related conditions. Algorithms developed to predict the effect of missense changes on protein structure and function (SIFT, PolyPhen-2, Align-GVGD) all suggest that this variant is likely to be tolerated. In summary, the available evidence is currently insufficient to determine the role of this variant in disease. Therefore, it has been classified as a Variant of Uncertain Significance.

NM_024580.6(EFL1):c.1943A>G (p.Gln648Arg)

Gene: EFL1 (elongation factor like GTPase 1; minus strand). Cytogenetic location: 15q25.2.
Variant type: single nucleotide variant.
Coding change: c.1943A>G on transcript NM_024580.6 (MANE Select); coding-DNA position 1943, A replaced by G.
Protein change: p.Gln648Arg; replaces glutamine 648 with arginine.
Molecular consequence: missense variant. On other transcripts: non-coding transcript variant (1).
Genome position (GRCh38, 1-based): chr15:82,157,800, T>C on the plus strand (A>G on the coding strand, the complement: EFL1 is on the minus strand). VCF-style: chr15-82157800-T-C. GRCh37 (hg19) VCF-style: chr15-82450141-T-C.
Other names: c.1790A>G, p.Gln597Arg (NM_001040610.3); c.1154A>G, p.Gln385Arg (NM_001322844.2); c.1943A>G, p.Gln648Arg (NM_001322845.2); short protein forms Q385R, Q648R, Q597R.
Identifiers: ClinVar variation 1970206 (VCV001970206.2), dbSNP rs757430233, ClinGen allele CA7697839.